The following is an entry in ClinVar:

ClinVar aggregate classification (germline): Uncertain significance (1 of 4 stars; one submission).

gnomAD v4.1: 6 of 1,613,856 alleles (0.00037%); highest among the groups gnomAD compares: Non-Finnish European, 0.00051%; no homozygotes.

Submission:

Mayo Clinic Laboratories, Mayo Clinic
Classification: Uncertain significance. Last evaluated: 2024-02-23. Review status: criteria provided, single submitter. Criteria: ACMG Guidelines, 2015. Collection method: clinical testing. Allele origin: germline. Observed: 1 variant allele.
Comment: BP4, PM2

NM_000780.4(CYP7A1):c.1126G>A (p.Asp376Asn)

Genes: CYP7A1 (cytochrome P450 family 7 subfamily A member 1; minus strand), LOC126860400 (BRD4-independent group 4 enhancer GRCh37_chr8:59404317-59405516; plus strand). Cytogenetic location: 8q12.1.
Variant type: single nucleotide variant.
Coding change: c.1126G>A on transcript NM_000780.4 (MANE Select); coding-DNA position 1126, G replaced by A.
Protein change: p.Asp376Asn; replaces aspartic acid 376 with asparagine.
Molecular consequence: missense variant.
Genome position (GRCh38, 1-based): chr8:58,492,442, C>T on the plus strand (G>A on the coding strand, the complement: CYP7A1 is on the minus strand). VCF-style: chr8-58492442-C-T. GRCh37 (hg19) VCF-style: chr8-59405001-C-T.
Other names: p.Asp376Asn; short protein forms D376N.
Identifiers: ClinVar variation 3379821 (VCV003379821.1).
Genomic context (GRCh38, chr8:58,492,442, plus strand): 5'-AGTGCATTAACTGTGGGTAAAGAGCTATGATGTCATCTTTTCGGATGTTGTAGGAACCGT[C>T]CTCAAGGTGCAAAGTGAAATCCTCCTTAGCTGTCCGGATGTTGAGGGAGGCACTGGAAAG-3'
Protein context (NP_000771.2, residues 366-386): AKEDFTLHLE[Asp376Asn]GSYNIRKDDI